The following is an entry in ClinVar:

NM_001369268.1(ACAN):c.7616T>C (p.Ile2539Thr)

Gene: ACAN (aggrecan; plus strand). Cytogenetic location: 15q26.1.
Variant type: single nucleotide variant.
Coding change: c.7616T>C on transcript NM_001369268.1 (MANE Select); coding-DNA position 7616, T replaced by C.
Protein change: p.Ile2539Thr; replaces isoleucine 2539 with threonine.
Molecular consequence: missense variant. On other transcripts: intron variant (1).
Genome position (GRCh38, 1-based): chr15:88,874,010, T>C. VCF-style: chr15-88874010-T-C. GRCh37 (hg19) VCF-style: chr15-89417241-T-C.
Other names: c.7388T>C, p.Ile2463Thr (NM_001411096.1); c.7502T>C, p.Ile2501Thr (NM_001411097.1, NM_013227.4); c.7220-395T>C (NM_001135.4); short protein forms I2463T, I2501T, I2539T.
Identifiers: ClinVar variation 2980797 (VCV002980797.3), dbSNP rs2505393046, ClinGen allele CA393731443.

ClinVar aggregate classification (germline): Uncertain significance (1 of 4 stars; one submission).

Submission:

Labcorp Genetics (formerly Invitae), Labcorp
Classification: Uncertain significance. Last evaluated: 2023-11-01. Review status: criteria provided, single submitter. Criteria: Invitae Variant Classification Sherloc (09022015). Collection method: clinical testing. Allele origin: germline.
Comment: This sequence change replaces isoleucine, which is neutral and non-polar, with threonine, which is neutral and polar, at codon 2501 of the ACAN protein (p.Ile2501Thr). This variant is not present in population databases (gnomAD no frequency). This variant has not been reported in the literature in individuals affected with ACAN-related conditions. An algorithm developed to predict the effect of missense changes on protein structure and function (PolyPhen-2) suggests that this variant is likely to be disruptive. In summary, the available evidence is currently insufficient to determine the role of this variant in disease. Therefore, it has been classified as a Variant of Uncertain Significance.